The following is an entry in ClinVar:

ClinVar aggregate classification (germline): Conflicting classifications of pathogenicity. Review status: criteria provided, conflicting classifications (1 of 4 stars). 2 submissions from 2 submitters: Uncertain significance (1); Likely benign (1). Last evaluated 2023-05-08.

Conditions:
Hereditary cancer-predisposing syndrome. Also called: Tumor predisposition; Hereditary Cancer Syndrome; Neoplastic Syndromes, Hereditary; Hereditary neoplastic syndrome. Identifiers: Orphanet 140162, MedGen C0027672, MeSH D009386, MONDO:0015356.
Retinoblastoma (RB1). Also called: RETINOBLASTOMA, SOMATIC. Identifiers: Orphanet 790, MedGen C0035335, MeSH D012175, MONDO:0008380, OMIM 180200, HP:0009919. Disease mechanism: loss of function. Inheritance: Both sporadic and heritable forms are tested..

Allele frequency attached by ClinVar (database versions not stated): gnomAD exomes 0.00001; ExAC 0.00002.
gnomAD v4.1: 3 of 1,610,450 alleles (0.00019%); highest among the groups gnomAD compares: Non-Finnish European, 0.00025%; no homozygotes.

Submissions (2):

Labcorp Genetics (formerly Invitae), Labcorp
Classification: Likely benign for Retinoblastoma. Last evaluated: 2023-05-08. Review status: criteria provided, single submitter. Criteria: Invitae Variant Classification Sherloc (09022015). Collection method: clinical testing. Allele origin: germline.

Sema4
Classification: Uncertain significance for Hereditary cancer-predisposing syndrome. Last evaluated: 2021-10-19. Review status: criteria provided, single submitter. Criteria: Sema4 Curation Guidelines. Collection method: curation. Allele origin: germline.
Comment: The RB1 c.2714-12T>A variant has not been reported in the literature to our knowledge. This variant was observed in 2/112002 chromosomes of the Non-Finnish European (NFE) subpopulation in the large and broad cohorts of the Genome Aggregation Database (PMID: 32461654). This variant has not been reported in ClinVar. In silico tools suggest the variant may not affect splicing, though these predictions have not been confirmed by functional studies. The evidence is insufficient to meet ACMG/AMP criteria for classifying the variant as benign or pathogenic. Thus, the clinical significance of this variant is currently uncertain.

NM_000321.3(RB1):c.2714-12T>A

Gene: RB1 (RB transcriptional corepressor 1; plus strand). Cytogenetic location: 13q14.2.
Variant type: single nucleotide variant.
Coding change: c.2714-12T>A on transcript NM_000321.3 (MANE Select); 12 bases into the intron before coding-DNA position 2714, T replaced by A.
Molecular consequence: intron variant.
Genome position (GRCh38, 1-based): chr13:48,479,986, T>A. VCF-style: chr13-48479986-T-A. GRCh37 (hg19) VCF-style: chr13-49054122-T-A.
Identifiers: ClinVar variation 1587801 (VCV001587801.9), dbSNP rs759312873, ClinGen allele CA037192.